The following is an entry in ClinVar:

ClinVar aggregate classification (germline): Likely benign (1 of 4 stars; one submission).

gnomAD v4.1: 1 of 1,582,862 alleles (0.000063%); highest among the groups gnomAD compares: Non-Finnish European, 0.000086%; no homozygotes.

Submission:

GeneDx
Classification: Likely benign. Last evaluated: 2018-02-12. Review status: criteria provided, single submitter. Criteria: GeneDx Variant Classification (06012015). Collection method: clinical testing. Allele origin: germline. Affected: yes.
Comment: This variant is considered likely benign or benign based on one or more of the following criteria: it is a conservative change, it occurs at a poorly conserved position in the protein, it is predicted to be benign by multiple in silico algorithms, and/or has population frequency not consistent with disease.

NM_032578.4(MYPN):c.3493+6G>C

Gene: MYPN (myopalladin; plus strand). Cytogenetic location: 10q21.3.
Variant type: single nucleotide variant.
Coding change: c.3493+6G>C on transcript NM_032578.4 (MANE Select); 6 bases into the intron after coding-DNA position 3493, G replaced by C.
Molecular consequence: intron variant.
Genome position (GRCh38, 1-based): chr10:68,199,581, G>C. VCF-style: chr10-68199581-G-C. GRCh37 (hg19) VCF-style: chr10-69959338-G-C.
Other names: c.3493+6G>C (NM_001256267.2); c.2611+6G>C (NM_001256268.2).
Identifiers: ClinVar variation 515467 (VCV000515467.1), dbSNP rs750903219, ClinGen allele CA658797430.